The following is an entry in ClinVar:

NM_006415.4(SPTLC1):c.992C>T (p.Ser331Phe)

Gene: SPTLC1 (serine palmitoyltransferase long chain base subunit 1; minus strand). Cytogenetic location: 9q22.31.
Variant type: single nucleotide variant.
Coding change: c.992C>T on transcript NM_006415.4 (MANE Select); coding-DNA position 992, C replaced by T.
Protein change: p.Ser331Phe; replaces serine 331 with phenylalanine.
Molecular consequence: missense variant.
Genome position (GRCh38, 1-based): chr9:92,047,261, G>A on the plus strand (C>T on the coding strand, the complement: SPTLC1 is on the minus strand). VCF-style: chr9-92047261-G-A. GRCh37 (hg19) VCF-style: chr9-94809543-G-A.
Other names: c.992C>T, p.Ser331Phe (LRG_272t1, NM_001281303.2); c.626C>T, p.Ser209Phe (NM_001368272.1); c.527C>T, p.Ser176Phe (NM_001368273.1); short protein forms S331F, S176F, S209F.
Identifiers: ClinVar variation 4804 (VCV000004804.6), dbSNP rs267607087, ClinGen allele CA117094.

ClinVar aggregate classification (germline): Pathogenic/Likely pathogenic. Review status: criteria provided, multiple submitters, no conflicts (2 of 4 stars). 4 submissions from 4 submitters: Pathogenic (1); Likely pathogenic (1). 2 of the submissions do not count toward it. Last evaluated 2026-08-06.

Conditions:
Neuropathy, hereditary sensory and autonomic, type 1A (HSAN1A). Also called: SPTLC1-Related Hereditary Sensory Neuropathy; NEUROPATHY, HEREDITARY SENSORY AND AUTONOMIC, TYPE IA; HSAN IA; HSN IA; NEUROPATHY, HEREDITARY SENSORY RADICULAR, AUTOSOMAL DOMINANT, TYPE 1A. Identifiers: MedGen C5235211, MONDO:0008086, OMIM 162400.
Neuropathy, hereditary sensory and autonomic, type IA, severe. Identifiers: MedGen C5231533.

Submissions (4):

OLLIN Analises Genomicas, OLLIN
Classification: Likely pathogenic for Neuropathy, hereditary sensory and autonomic, type 1A. Last evaluated: 2026-08-06. Review status: criteria provided, single submitter. Criteria: ACMG Guidelines 2015 PMID 25741868. Collection method: clinical testing. Allele origin: germline.
Comment: This missense variant, located in exon 11 (of 15), is absent from gnomAD but has been reported in ClinVar (accession VCV000372788.15) and in the scientific literature in individuals with SPTLC1 related disorders (PMID: 23454272). Functional studies suggest that this variant may affect protein function, and in silico analysis predicts a deleterious effect (PMID: 23454272). Another pathogenic variant affecting the same amino acid residue has been reported. According to the currently available evidence, this variant has been classified as likely pathogenic (PS3_P, PM2_P, PM5, PP3_M).

Duke University Health System Sequencing Clinic, Duke University Health System
Classification: Pathogenic for Neuropathy, hereditary sensory and autonomic, type 1A. Last evaluated: 2023-04-20. Review status: criteria provided, single submitter. Criteria: ACMG Guidelines, 2015. Collection method: research. Allele origin: de novo. Affected: yes.

Solve-RD Consortium
Classification: Likely pathogenic for Neuropathy, hereditary sensory and autonomic, type 1A. Last evaluated: 2022-06-01. Review status: no assertion criteria provided. Collection method: provider interpretation. Allele origin: de novo. Affected: yes. Not counted in ClinVar's aggregate classification.
Comment: Variant confirmed as disease-causing by referring clinical team

Variant identified during reanalysis of unsolved cases by the Solve-RD project. The Solve-RD project has received funding from the European Union’s Horizon 2020 research and innovation programme under grant agreement No 779257.

OMIM
Classification: Pathogenic for NEUROPATHY, HEREDITARY SENSORY AND AUTONOMIC, TYPE IA, SEVERE. Last evaluated: 2009-10-01. Review status: no assertion criteria provided. Collection method: literature only. Allele origin: germline. Not counted in ClinVar's aggregate classification.

Literature cited by the submitters: PubMed 23454272 (cited by OLLIN Analises Genomicas, OLLIN and OMIM); PubMed 39825153 (cited by Solve-RD Consortium); PubMed 19651702 (cited by OMIM); PubMed 18077166 (cited by OMIM).